The following is an entry in ClinVar:

ClinVar aggregate classification (germline): Uncertain significance (1 of 4 stars; one submission).

Submission:

GeneDx
Classification: Uncertain significance. Last evaluated: 2026-02-10. Review status: criteria provided, single submitter. Criteria: GeneDx Variant Classification Process June 2021. Collection method: clinical testing. Allele origin: germline.
Comment: Not observed at significant frequency in large population cohorts (gnomAD); In silico analysis supports that this missense variant has a deleterious effect on protein structure/function; Has not been previously published as pathogenic or benign to our knowledge

NM_005886.3(KATNB1):c.460C>T (p.Arg154Trp)

Gene: KATNB1 (katanin regulatory subunit B1; plus strand). Cytogenetic location: 16q21.
Variant type: single nucleotide variant.
Coding change: c.460C>T on transcript NM_005886.3 (MANE Select); coding-DNA position 460, C replaced by T.
Protein change: p.Arg154Trp; replaces arginine 154 with tryptophan.
Molecular consequence: missense variant.
Genome position (GRCh38, 1-based): chr16:57,751,668, C>T. VCF-style: chr16-57751668-C-T. GRCh37 (hg19) VCF-style: chr16-57785580-C-T.
Other names: short protein forms R154W.
Identifiers: ClinVar variation 4976253 (VCV004976253.1).